The following is an entry in ClinVar:

NM_001202439.3(NCR3LG1):c.691C>T (p.Arg231Trp)

Gene: NCR3LG1 (natural killer cell cytotoxicity receptor 3 ligand 1; plus strand). Cytogenetic location: 11p15.1.
Variant type: single nucleotide variant.
Coding change: c.691C>T on transcript NM_001202439.3 (MANE Select); coding-DNA position 691, C replaced by T.
Protein change: p.Arg231Trp; replaces arginine 231 with tryptophan.
Molecular consequence: missense variant.
Genome position (GRCh38, 1-based): chr11:17,367,278, C>T. VCF-style: chr11-17367278-C-T. GRCh37 (hg19) VCF-style: chr11-17388825-C-T.
Other names: short protein forms R231W.
Identifiers: ClinVar variation 3341562 (VCV003341562.16).

ClinVar aggregate classification (germline): Likely benign (1 of 4 stars; one submission).

Submission:

CeGaT Center for Human Genetics Tuebingen
Classification: Likely benign. Last evaluated: 2025-11-01. Review status: criteria provided, single submitter. Criteria: CeGaT Center For Human Genetics Tuebingen Variant Classification Criteria Version 2. Collection method: clinical testing. Allele origin: germline. Affected: yes. Observed: 3 variant alleles.
Comment: NCR3LG1: BP4, BS2